The following is an entry in ClinVar:

ClinVar aggregate classification (germline): Uncertain significance (1 of 4 stars; one submission).

Conditions:
Familial adenomatous polyposis 1 (FAP1). Also called: FAMILIAL ADENOMATOUS POLYPOSIS 1, ATTENUATED; POLYPOSIS, ADENOMATOUS INTESTINAL. Identifiers: MedGen C2713442, MONDO:0021056, OMIM 175100. Disease mechanism: loss of function.

Submission:

Labcorp Genetics (formerly Invitae), Labcorp
Classification: Uncertain significance for Familial adenomatous polyposis 1. Last evaluated: 2021-02-18. Review status: criteria provided, single submitter. Criteria: Invitae Variant Classification Sherloc (09022015). Collection method: clinical testing. Allele origin: germline.
Comment: In summary, the available evidence is currently insufficient to determine the role of this variant in disease. Therefore, it has been classified as a Variant of Uncertain Significance. Algorithms developed to predict the effect of missense changes on protein structure and function are either unavailable or do not agree on the potential impact of this missense change (SIFT: "Deleterious"; PolyPhen-2: "Probably Damaging"; Align-GVGD: "Class C0"). This variant has not been reported in the literature in individuals with APC-related conditions. This variant is not present in population databases (ExAC no frequency). This sequence change replaces alanine with proline at codon 146 of the APC protein (p.Ala146Pro). The alanine residue is highly conserved and there is a small physicochemical difference between alanine and proline.

NM_000038.6(APC):c.436G>C (p.Ala146Pro)

Gene: APC (APC regulator of Wnt signaling pathway; plus strand). Cytogenetic location: 5q22.2.
Variant type: single nucleotide variant.
Coding change: c.436G>C on transcript NM_000038.6 (MANE Select); coding-DNA position 436, G replaced by C.
Protein change: p.Ala146Pro; replaces alanine 146 with proline.
Molecular consequence: missense variant. On other transcripts: 5 prime UTR variant (1).
Genome position (GRCh38, 1-based): chr5:112,775,642, G>C. VCF-style: chr5-112775642-G-C. GRCh37 (hg19) VCF-style: chr5-112111339-G-C.
Other names: c.259G>C, p.Ala87Pro (NM_001354900.2, NM_001354901.2, NM_001354905.2); c.466G>C, p.Ala156Pro (NM_001354902.2, NM_001127511.3, NM_001354897.2); c.436G>C, p.Ala146Pro (NM_001354903.2, NM_001354895.2, NM_001354896.2 and 2 more transcripts); c.361G>C, p.Ala121Pro (NM_001354898.2, NM_001354904.2); c.-600G>C (NM_001354906.2); short protein forms A121P, A146P, A156P, A87P.
Identifiers: ClinVar variation 1467684 (VCV001467684.8), dbSNP rs763181290, ClinGen allele CA16022273.
Genomic context (GRCh38, chr5:112,775,642, plus strand): 5'-TTATTAGCATTGTTTAAACGTACCTTTTTTTAAAAAAAAAAAAATAGGTCATTGCTTCTT[G>C]CTGATCTTGACAAAGAAGAAAAGGAAAAAGACTGGTATTACGCTCAACTTCAGAATCTCA-3'
Protein context (NP_000029.2, residues 136-156): ELEKERSLLL[Ala146Pro]DLDKEEKEKD